The following is an entry in ClinVar:

NM_001278293.3(ARL6):c.524A>G (p.Asp175Gly)

Gene: ARL6 (ARF like GTPase 6; plus strand). Cytogenetic location: 3q11.2.
Variant type: single nucleotide variant.
Coding change: c.524A>G on transcript NM_001278293.3 (MANE Select); coding-DNA position 524, A replaced by G.
Protein change: p.Asp175Gly; replaces aspartic acid 175 with glycine.
Molecular consequence: missense variant. On other transcripts: non-coding transcript variant (6), intron variant (1).
Genome position (GRCh38, 1-based): chr3:97,791,815, A>G. VCF-style: chr3-97791815-A-G. GRCh37 (hg19) VCF-style: chr3-97510659-A-G.
Other names: c.524A>G, p.Asp175Gly (NM_001323513.2, NM_032146.5, NM_177976.3); c.479+3696A>G (NM_001323514.2); short protein forms D175G.
Identifiers: ClinVar variation 4984118 (VCV004984118.1).

ClinVar aggregate classification (germline): Uncertain significance (1 of 4 stars; one submission).

Conditions:
ARL6-related disorder. Also called: ARL6-related condition.

gnomAD v4.1: 21 of 1,613,480 alleles (0.0013%); highest among the groups gnomAD compares: Non-Finnish European, 0.0018%; no homozygotes.

Submission:

PreventionGenetics, part of Exact Sciences
Classification: Uncertain significance for ARL6-related condition. Last evaluated: 2025-06-12. Review status: criteria provided, single submitter. Criteria: ACMG Guidelines, 2015. Collection method: clinical testing. Allele origin: germline.
Comment: The ARL6 c.524A>G variant is predicted to result in the amino acid substitution p.Asp175Gly. To our knowledge, this variant has not been reported in the literature or in a large population database (gnomAD), indicating this variant is rare. At this time, the clinical significance of this variant is uncertain due to the absence of conclusive functional and genetic evidence.